The following is an entry in ClinVar:

ClinVar aggregate classification (germline): Uncertain significance. Review status: criteria provided, multiple submitters, no conflicts (2 of 4 stars). 3 submissions from 3 submitters: Uncertain significance (3). Last evaluated 2026-01-13.

Conditions:
Hypertrophic cardiomyopathy 15. Identifiers: MedGen C2750459, MONDO:0013200, OMIM 613255.
Dilated cardiomyopathy 1W (CMD1W). Identifiers: Orphanet 154, MedGen C1969639, MONDO:0012667, OMIM 611407.
Cardiovascular phenotype. Identifiers: MedGen CN230736.

Allele frequency attached by ClinVar (database versions not stated): TOPMed below 0.00001; gnomAD 0.00001.
gnomAD v4.1: 2 of 1,614,032 alleles (0.00012%); highest among the groups gnomAD compares: Non-Finnish European, 0.00017%; no homozygotes.

Submissions (3):

Labcorp Genetics (formerly Invitae), Labcorp
Classification: Uncertain significance for Dilated cardiomyopathy 1W. Last evaluated: 2026-01-13. Review status: criteria provided, single submitter. Criteria: Invitae Variant Classification Sherloc (09022015). Collection method: clinical testing. Allele origin: germline.
Comment: This sequence change replaces alanine, which is neutral and non-polar, with aspartic acid, which is acidic and polar, at codon 482 of the VCL protein (p.Ala482Asp). This variant is not present in population databases (gnomAD no frequency). This variant has not been reported in the literature in individuals affected with VCL-related conditions. ClinVar contains an entry for this variant (Variation ID: 1772783). An algorithm developed to predict the effect of missense changes on protein structure and function (PolyPhen-2) suggests that this variant is likely to be disruptive. In summary, the available evidence is currently insufficient to determine the role of this variant in disease. Therefore, it has been classified as a Variant of Uncertain Significance.

Fulgent Genetics
Classification: Uncertain significance for Dilated cardiomyopathy 1W; Hypertrophic cardiomyopathy 15. Last evaluated: 2024-06-24. Review status: criteria provided, single submitter. Criteria: ACMG Guidelines, 2015. Collection method: clinical testing. Allele origin: germline.

Ambry Genetics
Classification: Uncertain significance for Cardiovascular phenotype. Last evaluated: 2020-11-30. Review status: criteria provided, single submitter. Criteria: Ambry Variant Classification Scheme 2023. Collection method: clinical testing. Allele origin: germline.
Comment: The p.A482D variant (also known as c.1445C>A), located in coding exon 11 of the VCL gene, results from a C to A substitution at nucleotide position 1445. The alanine at codon 482 is replaced by aspartic acid, an amino acid with dissimilar properties. This amino acid position is highly conserved in available vertebrate species. In addition, the in silico prediction for this alteration is inconclusive. Since supporting evidence is limited at this time, the clinical significance of this alteration remains unclear.

NM_014000.3(VCL):c.1445C>A (p.Ala482Asp)

Gene: VCL (vinculin; plus strand). Cytogenetic location: 10q22.2.
Variant type: single nucleotide variant.
Coding change: c.1445C>A on transcript NM_014000.3 (MANE Select); coding-DNA position 1445, C replaced by A.
Protein change: p.Ala482Asp; replaces alanine 482 with aspartic acid.
Molecular consequence: missense variant.
Genome position (GRCh38, 1-based): chr10:74,094,363, C>A. VCF-style: chr10-74094363-C-A. GRCh37 (hg19) VCF-style: chr10-75854121-C-A.
Other names: c.1445C>A, p.Ala482Asp (NM_003373.4); short protein forms A482D.
Identifiers: ClinVar variation 1772783 (VCV001772783.8), dbSNP rs531596507, ClinGen allele CA377273824.